The following is an entry in ClinVar:

NM_005591.4(MRE11):c.784T>A (p.Tyr262Asn)

Gene: MRE11 (MRE11 double strand break repair nuclease; minus strand). Cytogenetic location: 11q21.
Variant type: single nucleotide variant.
Coding change: c.784T>A on transcript NM_005591.4 (MANE Select); coding-DNA position 784, T replaced by A.
Protein change: p.Tyr262Asn; replaces tyrosine 262 with asparagine.
Molecular consequence: missense variant.
Genome position (GRCh38, 1-based): chr11:94,471,635, A>T on the plus strand (T>A on the coding strand, the complement: MRE11 is on the minus strand). VCF-style: chr11-94471635-A-T. GRCh37 (hg19) VCF-style: chr11-94204801-A-T.
Other names: c.784T>A, p.Tyr262Asn (NM_001330347.2, NM_005590.4); short protein forms Y262N.
Identifiers: ClinVar variation 3224867 (VCV003224867.1), dbSNP rs1946715212, ClinGen allele CA382375639.

ClinVar aggregate classification (germline): Uncertain significance (1 of 4 stars; one submission).

Conditions:
Hereditary cancer-predisposing syndrome. Also called: Neoplastic Syndromes, Hereditary; Tumor predisposition; Hereditary neoplastic syndrome; Hereditary Cancer Syndrome. Identifiers: Orphanet 140162, MedGen C0027672, MeSH D009386, MONDO:0015356.

Submission:

Ambry Genetics
Classification: Uncertain significance for Hereditary cancer-predisposing syndrome. Last evaluated: 2023-11-15. Review status: criteria provided, single submitter. Criteria: Ambry Variant Classification Scheme 2023. Collection method: clinical testing. Allele origin: germline.
Comment: The p.Y262N variant (also known as c.784T>A), located in coding exon 7 of the MRE11A gene, results from a T to A substitution at nucleotide position 784. The tyrosine at codon 262 is replaced by asparagine, an amino acid with dissimilar properties. This amino acid position is conserved. In addition, this alteration is predicted to be deleterious by in silico analysis. Since supporting evidence is limited at this time, the clinical significance of this alteration remains unclear.